The following is an entry in ClinVar:

NM_000077.5(CDKN2A):c.17G>C (p.Gly6Ala)

Gene: CDKN2A (cyclin dependent kinase inhibitor 2A; minus strand). Cytogenetic location: 9p21.3.
Variant type: single nucleotide variant.
Coding change: c.17G>C on transcript NM_000077.5; coding-DNA position 17, G replaced by C.
Protein change: p.Gly6Ala; replaces glycine 6 with alanine.
Molecular consequence: missense variant (on NM_000077.6). On other transcripts: intron variant (2).
Genome position (GRCh38, 1-based): chr9:21,974,811, C>G on the plus strand (G>C on the coding strand, the complement: CDKN2A is on the minus strand). VCF-style: chr9-21974811-C-G. GRCh37 (hg19) VCF-style: chr9-21974810-C-G.
Other names: c.17G>C, p.Gly6Ala (NM_000077.6, NM_001195132.2, NM_058197.5); c.-3-3603G>C (NM_001363763.2); c.194-3603G>C (NM_058195.4); short protein forms G6A.
Identifiers: ClinVar variation 572416 (VCV000572416.16), dbSNP rs864622656, ClinGen allele CA373086715.

ClinVar aggregate classification (germline): Conflicting classifications of pathogenicity. Review status: criteria provided, conflicting classifications (1 of 4 stars). 2 submissions from 2 submitters: Uncertain significance (1); Likely benign (1). Last evaluated 2026-08-07.

Conditions:
Familial melanoma. Also called: Hereditary melanoma; Hereditary cutaneous melanoma. Identifiers: Orphanet 618, MedGen C1512419, MONDO:0018961.
Hereditary cancer-predisposing syndrome. Also called: Neoplastic Syndromes, Hereditary; Hereditary Cancer Syndrome; Hereditary neoplastic syndrome; Tumor predisposition. Identifiers: Orphanet 140162, MedGen C0027672, MeSH D009386, MONDO:0015356.

Submissions (2):

Ambry Genetics
Classification: Likely benign for Hereditary cancer-predisposing syndrome. Last evaluated: 2026-08-07. Review status: criteria provided, single submitter. Criteria: Ambry Variant Classification Scheme 2023. Collection method: clinical testing. Allele origin: germline.

Labcorp Genetics (formerly Invitae), Labcorp
Classification: Uncertain significance for Familial melanoma. Last evaluated: 2022-02-19. Review status: criteria provided, single submitter. Criteria: Invitae Variant Classification Sherloc (09022015). Collection method: clinical testing. Allele origin: germline.
Comment: Algorithms developed to predict the effect of missense changes on protein structure and function (SIFT, PolyPhen-2, Align-GVGD) all suggest that this variant is likely to be tolerated. ClinVar contains an entry for this variant (Variation ID: 572416). This variant has not been reported in the literature in individuals affected with CDKN2A (p16INK4a)-related conditions. This variant is not present in population databases (gnomAD no frequency). This sequence change replaces glycine, which is neutral and non-polar, with alanine, which is neutral and non-polar, at codon 6 of the CDKN2A (p16INK4a) protein (p.Gly6Ala). In summary, the available evidence is currently insufficient to determine the role of this variant in disease. Therefore, it has been classified as a Variant of Uncertain Significance.